The following is an entry in ClinVar:

NM_182931.3(KMT2E):c.169A>G (p.Ile57Val)

Gene: KMT2E (lysine methyltransferase 2E (inactive); plus strand). Cytogenetic location: 7q22.3.
Variant type: single nucleotide variant.
Coding change: c.169A>G on transcript NM_182931.3 (MANE Select); coding-DNA position 169, A replaced by G.
Protein change: p.Ile57Val; replaces isoleucine 57 with valine.
Molecular consequence: missense variant.
Genome position (GRCh38, 1-based): chr7:105,062,261, A>G. VCF-style: chr7-105062261-A-G. GRCh37 (hg19) VCF-style: chr7-104702708-A-G.
Other names: c.169A>G, p.Ile57Val (NM_001410908.1, NM_018682.4); short protein forms I57V.
Identifiers: ClinVar variation 4798586 (VCV004798586.1).
Genomic context (GRCh38, chr7:105,062,261, plus strand): 5'-AAATCCAACAGTTATCCCCACCAGTTATATACCAGCAGCTCACATCATTCACACAGTTAC[A>G]TTGGTTTGCCCTATGCGGTAAGTGTTAAACACTTCTTTGAAAAAACATTTTTAAATTTAG-3'
Protein context (NP_891847.1, residues 47-67): TSSSHHSHSY[Ile57Val]GLPYADHNYG

ClinVar aggregate classification (germline): Uncertain significance (1 of 4 stars; one submission).

gnomAD v4.1: 8 of 1,612,336 alleles (0.0005%); highest among the groups gnomAD compares: Admixed American, 0.0017%; no homozygotes.

Submission:

Labcorp Genetics (formerly Invitae), Labcorp
Classification: Uncertain significance. Last evaluated: 2025-11-24. Review status: criteria provided, single submitter. Criteria: Invitae Variant Classification Sherloc (09022015). Collection method: clinical testing. Allele origin: germline.
Comment: This sequence change replaces isoleucine, which is neutral and non-polar, with valine, which is neutral and non-polar, at codon 57 of the KMT2E protein (p.Ile57Val). This variant is present in population databases (rs759950275, gnomAD 0.006%). This variant has not been reported in the literature in individuals affected with KMT2E-related conditions. Invitae Evidence Modeling of protein sequence and biophysical properties (such as structural, functional, and spatial information, amino acid conservation, physicochemical variation, residue mobility, and thermodynamic stability) indicates that this missense variant is not expected to disrupt KMT2E protein function with a negative predictive value of 80%. In summary, the available evidence is currently insufficient to determine the role of this variant in disease. Therefore, it has been classified as a Variant of Uncertain Significance.